The following is an entry in ClinVar:

NM_000051.4(ATM):c.7617A>C (p.Glu2539Asp)

Genes: C11orf65 (chromosome 11 open reading frame 65; minus strand), ATM (ATM serine/threonine kinase; plus strand). Cytogenetic location: 11q22.3.
Variant type: single nucleotide variant.
Coding change: c.7617A>C on transcript NM_000051.4 (MANE Select); coding-DNA position 7617, A replaced by C.
Protein change: p.Glu2539Asp; replaces glutamic acid 2539 with aspartic acid.
Molecular consequence: missense variant. On other transcripts: non-coding transcript variant (1), intron variant (2).
Genome position (GRCh38, 1-based): chr11:108,331,545, A>C. VCF-style: chr11-108331545-A-C. GRCh37 (hg19) VCF-style: chr11-108202272-A-C.
Other names: c.7617A>C, p.Glu2539Asp (NM_001351834.2); c.641-22474T>G (NM_001330368.2); c.*38+3675T>G (NM_001351110.2); short protein forms E2539D.
Identifiers: ClinVar variation 651389 (VCV000651389.11), dbSNP rs1591168001, ClinGen allele CA382560848.

ClinVar aggregate classification (germline): Uncertain significance. Review status: criteria provided, multiple submitters, no conflicts (2 of 4 stars). 2 submissions from 2 submitters: Uncertain significance (2). Last evaluated 2025-01-24.

Conditions:
Hereditary cancer-predisposing syndrome. Also called: Tumor predisposition; Hereditary neoplastic syndrome; Neoplastic Syndromes, Hereditary; Hereditary Cancer Syndrome. Identifiers: Orphanet 140162, MedGen C0027672, MeSH D009386, MONDO:0015356.
Ataxia-telangiectasia syndrome (AT). Also called: Ataxia-telangiectasia, complementation group D; AT, COMPLEMENTATION GROUP C; ATAXIA-TELANGIECTASIA, COMPLEMENTATION GROUP A; ATAXIA-TELANGIECTASIA, FRESNO VARIANT; Ataxia-telangiectasia; LOUIS-BAR SYNDROME. Identifiers: Orphanet 100, MedGen C0004135, MONDO:0008840, OMIM 208900.

Submissions (2):

Labcorp Genetics (formerly Invitae), Labcorp
Classification: Uncertain significance for Ataxia-telangiectasia syndrome. Last evaluated: 2025-01-24. Review status: criteria provided, single submitter. Criteria: Invitae Variant Classification Sherloc (09022015). Collection method: clinical testing. Allele origin: germline.
Comment: This sequence change replaces glutamic acid, which is acidic and polar, with aspartic acid, which is acidic and polar, at codon 2539 of the ATM protein (p.Glu2539Asp). This variant is not present in population databases (gnomAD no frequency). This variant has not been reported in the literature in individuals affected with ATM-related conditions. ClinVar contains an entry for this variant (Variation ID: 651389). Invitae Evidence Modeling of protein sequence and biophysical properties (such as structural, functional, and spatial information, amino acid conservation, physicochemical variation, residue mobility, and thermodynamic stability) indicates that this missense variant is not expected to disrupt ATM protein function with a negative predictive value of 95%. In summary, the available evidence is currently insufficient to determine the role of this variant in disease. Therefore, it has been classified as a Variant of Uncertain Significance.

Ambry Genetics
Classification: Uncertain significance for Hereditary cancer-predisposing syndrome. Last evaluated: 2022-08-22. Review status: criteria provided, single submitter. Criteria: Ambry Variant Classification Scheme 2023. Collection method: clinical testing. Allele origin: germline.
Comment: The p.E2539D variant (also known as c.7617A>C), located in coding exon 50 of the ATM gene, results from an A to C substitution at nucleotide position 7617. The glutamic acid at codon 2539 is replaced by aspartic acid, an amino acid with highly similar properties. This amino acid position is conserved. In addition, this alteration is predicted to be tolerated by in silico analysis. Since supporting evidence is limited at this time, the clinical significance of this alteration remains unclear.